The following is an entry in ClinVar:

ClinVar aggregate classification (germline): Conflicting classifications of pathogenicity. Review status: criteria provided, conflicting classifications (1 of 4 stars). 2 submissions from 2 submitters: Uncertain significance (1); Likely benign (1). Last evaluated 2023-12-11.

Submissions (2):

Labcorp Genetics (formerly Invitae), Labcorp
Classification: Uncertain significance. Last evaluated: 2023-12-11. Review status: criteria provided, single submitter. Criteria: Invitae Variant Classification Sherloc (09022015). Collection method: clinical testing. Allele origin: germline.
Comment: This sequence change replaces leucine, which is neutral and non-polar, with phenylalanine, which is neutral and non-polar, at codon 282 of the A2ML1 protein (p.Leu282Phe). This variant is not present in population databases (gnomAD no frequency). This variant has not been reported in the literature in individuals affected with A2ML1-related conditions. ClinVar contains an entry for this variant (Variation ID: 1763424). Algorithms developed to predict the effect of missense changes on protein structure and function output the following: SIFT: "Not Available"; PolyPhen-2: "Benign"; Align-GVGD: "Not Available". The phenylalanine amino acid residue is found in multiple mammalian species, which suggests that this missense change does not adversely affect protein function. In summary, the available evidence is currently insufficient to determine the role of this variant in disease. Therefore, it has been classified as a Variant of Uncertain Significance.

Ambry Genetics
Classification: Likely benign. Last evaluated: 2022-05-24. Review status: criteria provided, single submitter. Criteria: Ambry Variant Classification Scheme 2023. Collection method: clinical testing. Allele origin: germline.

NM_144670.6(A2ML1):c.844C>T (p.Leu282Phe)

Gene: A2ML1 (alpha-2-macroglobulin like 1; plus strand). Cytogenetic location: 12p13.31.
Variant type: single nucleotide variant.
Coding change: c.844C>T on transcript NM_144670.6 (MANE Select); coding-DNA position 844, C replaced by T.
Protein change: p.Leu282Phe; replaces leucine 282 with phenylalanine.
Molecular consequence: missense variant.
Genome position (GRCh38, 1-based): chr12:8,837,555, C>T. VCF-style: chr12-8837555-C-T. GRCh37 (hg19) VCF-style: chr12-8990151-C-T.
Other names: short protein forms L282F.
Identifiers: ClinVar variation 1763424 (VCV001763424.5), dbSNP rs1482427203, ClinGen allele CA383823120.
Genomic context (GRCh38, chr12:8,837,555, plus strand): 5'-GCAAATACTTACTGGTATCGAGAGGTGGAACGGGAACAGCTTCCTGACAAATGCAGGAAC[C>T]TCTCTGGACAGGTGAGTAAATGACAGGTTAAAAAGGAACCTATCGGCCAGGCACGGTGGC-3'
Protein context (NP_653271.3, residues 272-292): REQLPDKCRN[Leu282Phe]SGQTDKTGCF